The following is an entry in ClinVar:

ClinVar aggregate classification (germline): Benign. Review status: criteria provided, multiple submitters, no conflicts (2 of 4 stars). 4 submissions from 4 submitters: Benign (3). 1 of the submissions does not count toward it. Last evaluated 2026-09-01.

Conditions:
CNOT3-related disorder. Also called: CNOT3-related condition.

Allele frequency attached by ClinVar (database versions not stated): ESP Exome Variant Server 0.00370; gnomAD exomes 0.00525 and 0.00321; ExAC 0.00537; 1000 Genomes Project 0.00160; 1000 Genomes Project 30x 0.00203; gnomAD 0.00318 and 0.00320; TOPMed 0.00345.

Submissions (4):

CeGaT Center for Human Genetics Tuebingen
Classification: Benign. Last evaluated: 2026-09-01. Review status: criteria provided, single submitter. Criteria: CeGaT Center For Human Genetics Tuebingen Variant Classification Criteria Version 2. Collection method: clinical testing. Allele origin: germline. Affected: yes. Observed: 11 variant alleles.
Comment: CNOT3: BP4, BS1, BS2

Labcorp Genetics (formerly Invitae), Labcorp
Classification: Benign. Last evaluated: 2026-01-26. Review status: criteria provided, single submitter. Criteria: Invitae Variant Classification Sherloc (09022015). Collection method: clinical testing. Allele origin: germline.

Breakthrough Genomics
Classification: Benign. Review status: criteria provided, single submitter. Criteria: ACMG Guidelines, 2015. Collection method: not provided. Allele origin: germline. Inheritance: Autosomal dominant inheritance. Affected: yes.

PreventionGenetics, part of Exact Sciences
Classification: Likely benign for CNOT3-related condition. Last evaluated: 2019-09-24. Review status: no assertion criteria provided. Collection method: clinical testing. Allele origin: germline. Not counted in ClinVar's aggregate classification.
Comment: This variant is classified as likely benign based on ACMG/AMP sequence variant interpretation guidelines (Richards et al. 2015 PMID: 25741868, with internal and published modifications).

NM_014516.4(CNOT3):c.940C>T (p.Pro314Ser)

Gene: CNOT3 (CCR4-NOT transcription complex subunit 3; plus strand). Cytogenetic location: 19q13.42.
Variant type: single nucleotide variant.
Coding change: c.940C>T on transcript NM_014516.4 (MANE Select); coding-DNA position 940, C replaced by T.
Protein change: p.Pro314Ser; replaces proline 314 with serine.
Molecular consequence: missense variant.
Genome position (GRCh38, 1-based): chr19:54,148,193, C>T. VCF-style: chr19-54148193-C-T. GRCh37 (hg19) VCF-style: chr19-54651928-C-T.
Other names: c.940C>T (NM_014516.3); short protein forms P314S.
Identifiers: ClinVar variation 1657489 (VCV001657489.34), dbSNP rs138658963, ClinGen allele CA309339548.
Genomic context (GRCh38, chr19:54,148,193, plus strand): 5'-CTCTCCCACCCGCAGTCTCCAGCCAAAAACGGCTCCAAGCCTGTCCACAGCAACCAGCAC[C>T]CTCAGTCCCCAGCTGTGCCGCCCACCTACCCCTCCGGCCCCCCGCCTGCTGCCTCTGCCT-3'
Protein context (NP_055331.1, residues 304-324): GSKPVHSNQH[Pro314Ser]QSPAVPPTYP